The following is an entry in ClinVar:

ClinVar aggregate classification (germline): Uncertain significance. Review status: criteria provided, multiple submitters, no conflicts (2 of 4 stars). 2 submissions from 2 submitters: Uncertain significance (2). Last evaluated 2024-04-26.

Conditions:
Inborn genetic diseases. Identifiers: MedGen C0950123, MeSH D030342.

Allele frequency attached by ClinVar (database versions not stated): gnomAD exomes 0.00002 and 0.00004; gnomAD 0.00003; TOPMed 0.00003.

Submissions (2):

Ambry Genetics
Classification: Uncertain significance for Inborn genetic diseases. Last evaluated: 2024-04-26. Review status: criteria provided, single submitter. Criteria: Ambry Variant Classification Scheme 2023. Collection method: clinical testing. Allele origin: germline.

Labcorp Genetics (formerly Invitae), Labcorp
Classification: Uncertain significance. Last evaluated: 2022-05-12. Review status: criteria provided, single submitter. Criteria: Invitae Variant Classification Sherloc (09022015). Collection method: clinical testing. Allele origin: germline.
Comment: This sequence change replaces glycine, which is neutral and non-polar, with aspartic acid, which is acidic and polar, at codon 27 of the SLC9A3 protein (p.Gly27Asp). This variant is present in population databases (rs774980944, gnomAD 0.007%). This variant has not been reported in the literature in individuals affected with SLC9A3-related conditions. Experimental studies and prediction algorithms are not available or were not evaluated, and the functional significance of this variant is currently unknown. In summary, the available evidence is currently insufficient to determine the role of this variant in disease. Therefore, it has been classified as a Variant of Uncertain Significance.

NM_004174.4(SLC9A3):c.80G>A (p.Gly27Asp)

Gene: SLC9A3 (solute carrier family 9 member A3). Cytogenetic location: 5p15.33.
Variant type: single nucleotide variant.
Coding change: c.80G>A on transcript NM_004174.4 (MANE Select); coding-DNA position 80, G replaced by A.
Protein change: p.Gly27Asp; replaces glycine 27 with aspartic acid.
Molecular consequence: missense variant.
Genome position (GRCh38, 1-based): chr5:524,243, C>T on the plus strand (G>A on the coding strand, the complement: SLC9A3 is on the minus strand). VCF-style: chr5-524243-C-T. GRCh37 (hg19) VCF-style: chr5-524358-C-T.
Other names: c.80G>A (NM_004174.2); c.80G>A, p.Gly27Asp (NM_001284351.3); short protein forms G27D.
Identifiers: ClinVar variation 1422014 (VCV001422014.6), dbSNP rs774980944, ClinGen allele CA3176421.